The following is an entry in ClinVar:

ClinVar aggregate classification (germline): Uncertain significance. Review status: criteria provided, multiple submitters, no conflicts (2 of 4 stars). 3 submissions from 3 submitters: Uncertain significance (3). Last evaluated 2023-06-02.

Conditions:
Inborn genetic diseases. Identifiers: MedGen C0950123, MeSH D030342.

Allele frequency attached by ClinVar (database versions not stated): gnomAD exomes below 0.00001.
gnomAD v4.1: 2 of 1,614,026 alleles (0.00012%); highest among the groups gnomAD compares: East Asian, 0.0045%; no homozygotes.

Submissions (3):

Ambry Genetics
Classification: Uncertain significance for Inborn genetic diseases. Last evaluated: 2023-06-02. Review status: criteria provided, single submitter. Criteria: Ambry Variant Classification Scheme 2023. Collection method: clinical testing. Allele origin: germline.

Labcorp Genetics (formerly Invitae), Labcorp
Classification: Uncertain significance. Last evaluated: 2022-09-01. Review status: criteria provided, single submitter. Criteria: Invitae Variant Classification Sherloc (09022015). Collection method: clinical testing. Allele origin: germline.
Comment: Algorithms developed to predict the effect of missense changes on protein structure and function are either unavailable or do not agree on the potential impact of this missense change (SIFT: "Tolerated"; PolyPhen-2: "Possibly Damaging"; Align-GVGD: "Class C0"). In summary, the available evidence is currently insufficient to determine the role of this variant in disease. Therefore, it has been classified as a Variant of Uncertain Significance. ClinVar contains an entry for this variant (Variation ID: 1055033). This variant has not been reported in the literature in individuals affected with ATF6-related conditions. This variant is not present in population databases (gnomAD no frequency). This sequence change replaces arginine, which is basic and polar, with threonine, which is neutral and polar, at codon 642 of the ATF6 protein (p.Arg642Thr).

Blueprint Genetics
Classification: Uncertain significance. Last evaluated: 2021-12-03. Review status: criteria provided, single submitter. Criteria: ACMG Guidelines, 2015. Collection method: clinical testing. Allele origin: germline.

NM_007348.4(ATF6):c.1925G>C (p.Arg642Thr)

Gene: ATF6 (activating transcription factor 6; plus strand). Cytogenetic location: 1q23.3.
Variant type: single nucleotide variant.
Coding change: c.1925G>C on transcript NM_007348.4 (MANE Select); coding-DNA position 1925, G replaced by C.
Protein change: p.Arg642Thr; replaces arginine 642 with threonine.
Molecular consequence: missense variant.
Genome position (GRCh38, 1-based): chr1:161,958,566, G>C. VCF-style: chr1-161958566-G-C. GRCh37 (hg19) VCF-style: chr1-161928356-G-C.
Other names: c.1925G>C (NM_007348.3); short protein forms R642T.
Identifiers: ClinVar variation 1055033 (VCV001055033.8), dbSNP rs1571264378, ClinGen allele CA343389249.